The following is an entry in ClinVar:

NM_005585.5(SMAD6):c.553G>T (p.Glu185Ter)

Gene: SMAD6 (SMAD family member 6; plus strand). Cytogenetic location: 15q22.31.
Variant type: single nucleotide variant.
Coding change: c.553G>T on transcript NM_005585.5 (MANE Select); coding-DNA position 553, G replaced by T.
Protein change: p.Glu185Ter; replaces glutamic acid 185 with a stop codon.
Molecular consequence: nonsense. On other transcripts: non-coding transcript variant (1).
Genome position (GRCh38, 1-based): chr15:66,703,811, G>T. VCF-style: chr15-66703811-G-T. GRCh37 (hg19) VCF-style: chr15-66996149-G-T.
Other names: short protein forms E185*.
Identifiers: ClinVar variation 1985085 (VCV001985085.4), dbSNP rs1893039406, ClinGen allele CA392949779.

ClinVar aggregate classification (germline): Uncertain significance (1 of 4 stars; one submission).

Conditions:
Aortic valve disease 2 (AOVD2). Identifiers: MedGen C3542024, MONDO:0013902, OMIM 614823.

Submission:

Labcorp Genetics (formerly Invitae), Labcorp
Classification: Uncertain significance for Aortic valve disease 2. Last evaluated: 2025-07-14. Review status: criteria provided, single submitter. Criteria: Invitae Variant Classification Sherloc (09022015). Collection method: clinical testing. Allele origin: germline.
Comment: This sequence change creates a premature translational stop signal (p.Glu185*) in the SMAD6 gene. It is expected to result in an absent or disrupted protein product. However, the current clinical and genetic evidence is not sufficient to establish whether loss-of-function variants in SMAD6 cause disease. This variant is not present in population databases (gnomAD no frequency). This variant has not been reported in the literature in individuals affected with SMAD6-related conditions. ClinVar contains an entry for this variant (Variation ID: 1985085). In summary, the available evidence is currently insufficient to determine the role of this variant in disease. Therefore, it has been classified as a Variant of Uncertain Significance.